The following is an entry in ClinVar:

NM_001429.4(EP300):c.5320A>G (p.Lys1774Glu)

Gene: EP300 (E1A binding protein p300; plus strand). Cytogenetic location: 22q13.2.
Variant type: single nucleotide variant.
Coding change: c.5320A>G on transcript NM_001429.4 (MANE Select); coding-DNA position 5320, A replaced by G.
Protein change: p.Lys1774Glu; replaces lysine 1774 with glutamic acid.
Molecular consequence: missense variant.
Genome position (GRCh38, 1-based): chr22:41,177,031, A>G. VCF-style: chr22-41177031-A-G. GRCh37 (hg19) VCF-style: chr22-41573035-A-G.
Other names: c.5242A>G, p.Lys1748Glu (NM_001362843.2); short protein forms K1774E, K1748E.
Identifiers: ClinVar variation 2136165 (VCV002136165.1), dbSNP rs2517832274, ClinGen allele CA411708697.
Genomic context (GRCh38, chr22:41,177,031, plus strand): 5'-TCACTGCCATCCTGCCAGAAGATGAAGCGGGTTGTGCAGCATACCAAGGGTTGCAAACGG[A>G]AAACCAATGGCGGGTGCCCCATCTGCAAGCAGCTCATTGCCCTCTGCTGCTACCATGCCA-3'
Protein context (NP_001420.2, residues 1764-1784): VVQHTKGCKR[Lys1774Glu]TNGGCPICKQ

ClinVar aggregate classification (germline): Uncertain significance (1 of 4 stars; one submission).

Submission:

GeneDx
Classification: Uncertain significance. Last evaluated: 2022-07-19. Review status: criteria provided, single submitter. Criteria: GeneDx Variant Classification Process June 2021. Collection method: clinical testing. Allele origin: germline. Affected: yes.
Comment: Not observed at significant frequency in large population cohorts (gnomAD); In silico analysis supports that this missense variant has a deleterious effect on protein structure/function; Has not been previously published as pathogenic or benign to our knowledge